The following is an entry in ClinVar:

ClinVar aggregate classification (germline): Uncertain significance. Review status: criteria provided, single submitter (1 of 4 stars). 2 submissions from 2 submitters: Uncertain significance (1). 1 of the submissions does not count toward it. Last evaluated 2017-12-15.

Conditions:
NR1H4-related disorder. Also called: NR1H4-related condition.

Allele frequency attached by ClinVar (database versions not stated): ExAC 0.00002; gnomAD 0.00003 and 0.00004; gnomAD exomes 0.00003 and 0.00007; TOPMed 0.00004.
gnomAD v4.1: 111 of 1,614,104 alleles (0.0069%); highest among the groups gnomAD compares: Non-Finnish European, 0.0091%; no homozygotes.

Submissions (2):

Eurofins Ntd Llc (ga)
Classification: Uncertain significance. Last evaluated: 2017-12-15. Review status: criteria provided, single submitter. Criteria: EGL Classification Definitions 2015. Collection method: clinical testing. Allele origin: germline. Observed: 2 variant alleles, 2 heterozygotes.

PreventionGenetics, part of Exact Sciences
Classification: Likely benign for NR1H4-related condition. Last evaluated: 2023-03-20. Review status: no assertion criteria provided. Collection method: clinical testing. Allele origin: germline. Not counted in ClinVar's aggregate classification.
Comment: This variant is classified as likely benign based on ACMG/AMP sequence variant interpretation guidelines (Richards et al. 2015 PMID: 25741868, with internal and published modifications).

NM_001206979.2(NR1H4):c.963T>C (p.Ile321=)

Gene: NR1H4 (nuclear receptor subfamily 1 group H member 4; plus strand). Cytogenetic location: 12q23.1.
Variant type: single nucleotide variant.
Coding change: c.963T>C on transcript NM_001206979.2 (MANE Select); coding-DNA position 963, T replaced by C.
Protein change: p.Ile321=; no amino-acid change (isoleucine 321 retained).
Molecular consequence: synonymous variant. On other transcripts: non-coding transcript variant (1).
Genome position (GRCh38, 1-based): chr12:100,540,703, T>C. VCF-style: chr12-100540703-T-C. GRCh37 (hg19) VCF-style: chr12-100934481-T-C.
Other names: c.963T>C, p.Ile321= (NM_001206977.2); c.810T>C, p.Ile270= (NM_001206978.2); c.981T>C, p.Ile327= (NM_001206992.2); c.993T>C, p.Ile331= (NM_001206993.2); c.951T>C, p.Ile317= (NM_005123.4); c.951T>C (NM_005123.3).
Identifiers: ClinVar variation 497609 (VCV000497609.7), dbSNP rs757460153, ClinGen allele CA6739386.